The following is an entry in ClinVar:

ClinVar aggregate classification (germline): Uncertain significance (1 of 4 stars; one submission).

Submission:

Labcorp Genetics (formerly Invitae), Labcorp
Classification: Uncertain significance. Last evaluated: 2023-08-09. Review status: criteria provided, single submitter. Criteria: Invitae Variant Classification Sherloc (09022015). Collection method: clinical testing. Allele origin: germline.
Comment: This sequence change replaces proline, which is neutral and non-polar, with threonine, which is neutral and polar, at codon 65 of the FGF23 protein (p.Pro65Thr). This variant is not present in population databases (gnomAD no frequency). This variant has not been reported in the literature in individuals affected with FGF23-related conditions. Advanced modeling of protein sequence and biophysical properties (such as structural, functional, and spatial information, amino acid conservation, physicochemical variation, residue mobility, and thermodynamic stability) has been performed at Invitae for this missense variant, however the output from this modeling did not meet the statistical confidence thresholds required to predict the impact of this variant on FGF23 protein function. In summary, the available evidence is currently insufficient to determine the role of this variant in disease. Therefore, it has been classified as a Variant of Uncertain Significance.

NM_020638.3(FGF23):c.193C>A (p.Pro65Thr)

Gene: FGF23 (fibroblast growth factor 23; minus strand). Cytogenetic location: 12p13.32.
Variant type: single nucleotide variant.
Coding change: c.193C>A on transcript NM_020638.3 (MANE Select); coding-DNA position 193, C replaced by A.
Protein change: p.Pro65Thr; replaces proline 65 with threonine.
Molecular consequence: missense variant.
Genome position (GRCh38, 1-based): chr12:4,379,390, G>T on the plus strand (C>A on the coding strand, the complement: FGF23 is on the minus strand). VCF-style: chr12-4379390-G-T. GRCh37 (hg19) VCF-style: chr12-4488556-G-T.
Other names: short protein forms P65T.
Identifiers: ClinVar variation 2809580 (VCV002809580.3), dbSNP rs1591675475, ClinGen allele CA383417950.